The following is an entry in ClinVar:

ClinVar aggregate classification (germline): Likely benign (1 of 4 stars; one submission).

Conditions:
SLCO1B3-related disorder. Also called: SLCO1B3-related condition.

gnomAD v4.1: 2 of 1,608,072 alleles (0.00012%); highest among the groups gnomAD compares: Non-Finnish European, 0.00017%; no homozygotes.

Submission:

PreventionGenetics, part of Exact Sciences
Classification: Likely benign for SLCO1B3-related condition. Last evaluated: 2026-05-17. Review status: criteria provided, single submitter. Criteria: ACMG Guidelines, 2015. Collection method: clinical testing. Allele origin: germline.
Comment: This variant is classified as likely benign based on ACMG/AMP sequence variant interpretation guidelines (Richards et al. 2015 PMID: 25741868, with internal and published modifications).

NM_019844.4(SLCO1B3):c.85-7T>C

Genes: SLCO1B3 (solute carrier organic anion transporter family member 1B3; plus strand), SLCO1B3-SLCO1B7 (SLCO1B3-SLCO1B7 readthrough; plus strand). Cytogenetic location: 12p12.2.
Variant type: single nucleotide variant.
Coding change: c.85-7T>C on transcript NM_019844.4 (MANE Select); 7 bases into the intron before coding-DNA position 85, T replaced by C.
Molecular consequence: intron variant.
Genome position (GRCh38, 1-based): chr12:20,855,021, T>C. VCF-style: chr12-20855021-T-C. GRCh37 (hg19) VCF-style: chr12-21007955-T-C.
Other names: c.1-7T>C (NM_001349920.2); c.85-7T>C (NM_001371097.1).
Identifiers: ClinVar variation 4980441 (VCV004980441.1).